The following is an entry in ClinVar:

ClinVar aggregate classification (germline): Uncertain significance (1 of 4 stars; one submission).

Submissions (2):

GeneDx
Classification: Uncertain significance. Last evaluated: 2025-06-04. Review status: criteria provided, single submitter. Criteria: GeneDx Variant Classification Process June 2021. Collection method: clinical testing. Allele origin: germline. Affected: yes.
Comment: In silico analysis supports that this missense variant has a deleterious effect on protein structure/function; Has not been previously published as pathogenic or benign to our knowledge

Dr. Peter K. Rogan Lab, Western University
No classification provided (evidence only). Condition: Glioma susceptibility 1. Review status: no classification provided. Collection method: in vitro. Allele origin: not applicable. Functional consequence: retained intron. Not counted in ClinVar's aggregate classification.

NM_000210.4(ITGA6):c.2843C>T (p.Ala948Val)

Genes: ITGA6 (integrin subunit alpha 6; plus strand), PDK1-AS1 (PDK1 and ITGA6 antisense RNA 1; minus strand). Cytogenetic location: 2q31.1.
Variant type: single nucleotide variant.
Coding change: c.2843C>T on transcript NM_000210.4 (MANE Select); coding-DNA position 2843, C replaced by T.
Protein change: p.Ala948Val; replaces alanine 948 with valine.
Molecular consequence: missense variant. On other transcripts: non-coding transcript variant (11).
Genome position (GRCh38, 1-based): chr2:172,491,285, C>T. VCF-style: chr2-172491285-C-T. GRCh37 (hg19) VCF-style: chr2-173356013-C-T.
Other names: NC_000002.11:g.173356013C>T; c.2486C>T, p.Ala829Val (NM_001316306.2); c.2798C>T, p.Ala933Val (NM_001365529.2, NM_001365530.2); c.2960C>T, p.Ala987Val (NM_001394928.1); c.2843C>T, p.Ala948Val (NM_001079818.3); c.2843C>T (NM_001079818.1); short protein forms A948V, A987V, A829V, A933V.
Identifiers: ClinVar variation 4505968 (VCV004505968.2).
Genomic context (GRCh38, chr2:172,491,285, plus strand): 5'-GTAGCGTGAACGTGAACTGTGTGAACATCAGATGCCCGCTGCGGGGGCTGGACAGCAAGG[C>T]GTCTCTTATTTTGCGCTCGAGGTTATGGAACAGCACATTTCTAGAGGTATGACCTTGGCT-3'
Protein context (NP_000201.2, residues 938-958): RCPLRGLDSK[Ala948Val]SLILRSRLWN